The following is an entry in ClinVar:

NM_014915.3(ANKRD26):c.1109A>T (p.Lys370Ile)

Gene: ANKRD26 (ankyrin repeat domain 26; minus strand). Cytogenetic location: 10p12.1.
Variant type: single nucleotide variant.
Coding change: c.1109A>T on transcript NM_014915.3 (MANE Select); coding-DNA position 1109, A replaced by T.
Protein change: p.Lys370Ile; replaces lysine 370 with isoleucine.
Molecular consequence: missense variant.
Genome position (GRCh38, 1-based): chr10:27,067,255, T>A on the plus strand (A>T on the coding strand, the complement: ANKRD26 is on the minus strand). VCF-style: chr10-27067255-T-A. GRCh37 (hg19) VCF-style: chr10-27356184-T-A.
Other names: c.1109A>T, p.Lys370Ile (NM_001256053.2); short protein forms K370I.
Identifiers: ClinVar variation 3718006 (VCV003718006.2).

ClinVar aggregate classification (germline): Uncertain significance (1 of 4 stars; one submission).

gnomAD v4.1: 7 of 1,613,714 alleles (0.00043%); highest among the groups gnomAD compares: Non-Finnish European, 0.00051%; no homozygotes.

Submission:

Labcorp Genetics (formerly Invitae), Labcorp
Classification: Uncertain significance. Last evaluated: 2024-10-16. Review status: criteria provided, single submitter. Criteria: Invitae Variant Classification Sherloc (09022015). Collection method: clinical testing. Allele origin: germline.
Comment: This sequence change replaces lysine, which is basic and polar, with isoleucine, which is neutral and non-polar, at codon 370 of the ANKRD26 protein (p.Lys370Ile). This variant is present in population databases (no rsID available, gnomAD 0.005%). This variant has not been reported in the literature in individuals affected with ANKRD26-related conditions. An algorithm developed to predict the effect of missense changes on protein structure and function (PolyPhen-2) suggests that this variant is likely to be tolerated. In summary, the available evidence is currently insufficient to determine the role of this variant in disease. Therefore, it has been classified as a Variant of Uncertain Significance.